The following is an entry in ClinVar:

NM_000238.4(KCNH2):c.2911del (p.Glu971fs)

Gene: KCNH2 (potassium voltage-gated channel subfamily H member 2; minus strand). Cytogenetic location: 7q36.1.
Variant type: Deletion.
Coding change: c.2911del on transcript NM_000238.4 (MANE Select); coding-DNA position 2911, one base deleted (G; older notation c.2911delG).
Protein change: p.Glu971fs; shifts the reading frame from glutamic acid 971.
Molecular consequence: frameshift variant. On other transcripts: non-coding transcript variant (2).
Genome position (GRCh38, 1-based): chr7:150,947,660, C deleted on the plus strand (G on the coding strand, the reverse complement: KCNH2 is on the minus strand); the first of 4 consecutive C bases (chr7:150,947,660-150,947,663); deleting any one gives the same sequence. VCF-style (leftmost placement, unchanged base first): chr7-150947659-TC-T. GRCh37 (hg19) VCF-style: chr7-150644747-TC-T.
Other names: c.2623del, p.Glu875fs (NM_001406753.1); c.1891del, p.Glu631fs (NM_172057.3); short protein forms E971fs, E631fs, E875fs.
Identifiers: ClinVar variation 4722731 (VCV004722731.1).

ClinVar aggregate classification (germline): Pathogenic (1 of 4 stars; one submission).

Conditions:
Long QT syndrome (LQTS). Identifiers: MedGen C0023976, MeSH D008133, MONDO:0002442. Disease mechanism: loss of function. Inheritance: Various modes of inheritance.

Submission:

Labcorp Genetics (formerly Invitae), Labcorp
Classification: Pathogenic for Long QT syndrome. Last evaluated: 2025-07-06. Review status: criteria provided, single submitter. Criteria: Invitae Variant Classification Sherloc (09022015). Collection method: clinical testing. Allele origin: germline.
Comment: This sequence change creates a premature translational stop signal (p.Glu971Serfs*3) in the KCNH2 gene. It is expected to result in an absent or disrupted protein product. Loss-of-function variants in KCNH2 are known to be pathogenic (PMID: 10973849, 19862833). This variant is not present in population databases (gnomAD no frequency). This variant has not been reported in the literature in individuals affected with KCNH2-related conditions. For these reasons, this variant has been classified as Pathogenic.

Literature cited by the submitters: PubMed 10973849; PubMed 19862833.